The following is an entry in ClinVar:

ClinVar aggregate classification (germline): Conflicting classifications of pathogenicity. Review status: criteria provided, conflicting classifications (1 of 4 stars). 9 submissions from 8 submitters: Uncertain significance (6); Benign (1); Likely benign (2). Last evaluated 2026-04-08.

Conditions:
Catecholaminergic polymorphic ventricular tachycardia (CVPT). Also called: Catecholamine-induced polymorphic ventricular tachycardia. Identifiers: Orphanet 3286, MedGen C5574922, MONDO:0017990.
Arrhythmogenic right ventricular dysplasia 2. Identifiers: MedGen C1832931.
Cardiovascular phenotype. Identifiers: MedGen CN230736.
Catecholaminergic polymorphic ventricular tachycardia 1. Also called: VENTRICULAR TACHYCARDIA, STRESS-INDUCED POLYMORPHIC 1; RYR2-Related Catecholaminergic Polymorphic Ventricular Tachycardia; VENTRICULAR TACHYCARDIA, CATECHOLAMINERGIC POLYMORPHIC, 1, WITH OR WITHOUT ATRIAL DYSFUNCTION AND/OR DILATED CARDIOMYOPATHY. Identifiers: Orphanet 3286, MedGen C1631597, MONDO:0011484, OMIM 604772.
Cardiomyopathy (CMYO). Also called: Cardiomyopathies. Identifiers: Orphanet 167848, MedGen C0878544, MONDO:0004994, HP:0001638. Inheritance: Various modes of inheritance.

Allele frequency attached by ClinVar (database versions not stated): ExAC 0.00001; gnomAD exomes 0.00002 and 0.00010; TOPMed 0.00002; gnomAD 0.00003 and 0.00006.
gnomAD v4.1: 150 of 1,613,180 alleles (0.0093%); highest among the groups gnomAD compares: East Asian, 0.33%; 3 homozygotes.

Submissions (9):

Ambry Genetics
Classification: Uncertain significance for Cardiovascular phenotype. Last evaluated: 2026-04-08. Review status: criteria provided, single submitter. Criteria: Ambry Variant Classification Scheme 2023. Collection method: clinical testing. Allele origin: germline.
Comment: The c.13175A>G (p.K4392R) alteration is located in exon 90 (coding exon 90) of the RYR2 gene. This alteration results from a A to G substitution at nucleotide position 13175, causing the lysine (K) at amino acid position 4392 to be replaced by an arginine (R). Based on data from gnomAD, the G allele has an overall frequency of 0.002% (4/246870) total alleles studied. The highest observed frequency was 0.023% (4/17776) of East Asian alleles. Based on insufficient or conflicting evidence, the clinical significance of this alteration remains unclear.

Labcorp Genetics (formerly Invitae), Labcorp
Classification: Likely benign for Catecholaminergic polymorphic ventricular tachycardia 1. Last evaluated: 2025-06-14. Review status: criteria provided, single submitter. Criteria: Invitae Variant Classification Sherloc (09022015). Collection method: clinical testing. Allele origin: germline.

All of Us Research Program, National Institutes of Health
Classification: Uncertain significance for Catecholaminergic polymorphic ventricular tachycardia. Last evaluated: 2024-08-30. Review status: criteria provided, single submitter. Criteria: ACMG Guidelines, 2015. Collection method: clinical testing. Allele origin: germline. Inheritance: Autosomal dominant inheritance. Observed: 7 variant alleles, 7 heterozygotes.
Comment: This variant is located in the RYR2 protein. Computational prediction is inconclusive regarding the impact of this variant on protein structure and function (internally defined REVEL score threshold 0.5 < inconclusive < 0.7, PMID: 27666373). To our knowledge, functional studies have not been reported for this variant. This variant has been reported in two unrelated Japanese affected with catecholaminergic polymorphic ventricular tachycardia, as well as in a few asymptomatic carriers in their families (PMID: 23595086, 25092222). This variant has also been reported in an individual affected with idiopathic bradyarrhythmia (PMID: 36070930). This variant has been identified in 4/246870 chromosomes in the general population by the Genome Aggregation Database (gnomAD). The available evidence is insufficient to determine the role of this variant in disease conclusively. Therefore, this variant is classified as a Variant of Uncertain Significance.

This study involves interpretation of variants in research participants for the purpose of population health screening. Participant phenotype was not available at the time of variant classification. Additional details can be found in publication PMID: 35346344, PMCID: PMC8962531

Color Diagnostics, LLC DBA Color Health
Classification: Uncertain significance for Cardiomyopathy. Last evaluated: 2024-02-15. Review status: criteria provided, single submitter. Criteria: ACMG Guidelines, 2015. Collection method: clinical testing. Allele origin: germline.
Comment: This variant replaces lysine with arginine at codon 4392 in the RYR2 protein. Computational prediction is inconclusive regarding the impact of this variant on protein structure and function. To our knowledge, functional studies have not been reported for this variant. This variant has been reported in two unrelated individuals affected with catecholaminergic polymorphic ventricular tachycardia, as well as in a few asymptomatic carriers in their families (PMID: 23595086, 25092222). This variant has also been reported in an individual affected with idiopathic bradyarrhythmia (PMID: 36070930). This variant has been identified in 4/246870 chromosomes in the general population by the Genome Aggregation Database (gnomAD). The available evidence is insufficient to determine the role of this variant in disease conclusively. Therefore, this variant is classified as a Variant of Uncertain Significance.

Blueprint Genetics
Classification: Likely benign. Last evaluated: 2023-10-13. Review status: criteria provided, single submitter. Criteria: ACMG Guidelines, 2015. Collection method: clinical testing. Allele origin: germline.

Women's Health and Genetics/Laboratory Corporation of America, LabCorp
Classification: Benign. Last evaluated: 2023-05-16. Review status: criteria provided, single submitter. Criteria: LabCorp Variant Classification Summary - May 2015. Collection method: clinical testing. Allele origin: germline.
Comment: Variant summary: RYR2 c.13175A>G (p.Lys4392Arg) results in a conservative amino acid change located in the Ryanodine Receptor TM 4-6 domain (IPR009460) of the encoded protein sequence. Three of four in-silico tools predict a benign effect of the variant on protein function. The variant allele was found at a frequency of 0.0014 in 324312 control chromosomes, including 2 homozygotes (gnomAD and jMorp databases (Tadaka_2021)). The observed variant frequency is approximately 41.62 fold of the estimated maximal expected allele frequency for a pathogenic variant in RYR2 causing Catecholaminergic Polymorphic Ventricular Tachycardia phenotype (3.4e-05), strongly suggesting that the variant is benign. c.13175A>G has been reported in the literature in individuals affected with Catecholaminergic Polymorphic Ventricular Tachycardia, however, the variant was also identified in unaffected individuals and found to not segregate with disease among related individuals (e.g., Kawamura_2013, Arakawa_2015). Additionally, in one proband with catecholaminergic polymorphic ventricular tachycardia, a co-occurrence with another pathogenic variant was reported (RYR2 c.12006G>A, p.M4002I; Kawamura_2013), providing supporting evidence for a benign role. At least one publication reports experimental evidence evaluating an impact on protein function, finding that the variant showed no damaging effect on the cytosolic calcium-dependent activity of RYR2 (e.g., Kurebayashi_2022). The following publications have been ascertained in the context of this evaluation (PMID: 25092222, 23595086, 35446340, 33179747). Four ClinVar submitters (evaluation after 2014) have cited the variant with conflicting assessments: 3 submitters classified the variant as uncertain significance, and one submitter classified it as likely benign. Based on the evidence outlined above, the variant was classified as benign.

Illumina Laboratory Services, Illumina
Classification: Uncertain significance for Catecholaminergic polymorphic ventricular tachycardia 1. Last evaluated: 2017-04-27. Review status: criteria provided, single submitter. Criteria: ICSL Variant Classification Criteria 13 December 2019. Collection method: clinical testing. Allele origin: germline.

Illumina Laboratory Services, Illumina
Classification: Uncertain significance for Catecholaminergic polymorphic ventricular tachycardia 1. Last evaluated: 2017-04-27. Review status: criteria provided, single submitter. Criteria: ICSL Variant Classification Criteria 13 December 2019. Collection method: clinical testing. Allele origin: germline.
Comment: This variant was observed as part of a predisposition screen in an ostensibly healthy population. A literature search was performed for the gene, cDNA change, and amino acid change (where applicable). Publications were found based on this search. However, the evidence from the literature, in combination with allele frequency data from public databases where available, was not sufficient to rule this variant in or out of causing disease. Therefore, this variant is classified as a variant of unknown significance.

Breakthrough Genomics
Classification: Uncertain significance. Review status: criteria provided, single submitter. Criteria: ACMG Guidelines, 2015. Collection method: not provided. Allele origin: germline. Inheritance: Autosomal dominant inheritance. Affected: yes.

Literature cited by the submitters: PubMed 23595086 (cited by 3 submitters); PubMed 25092222 (cited by 4 submitters); PubMed 36070930 (cited by All of Us Research Program, National Institutes of Health and Color Diagnostics, LLC DBA Color Health); PubMed 33179747 (cited by Women's Health and Genetics/Laboratory Corporation of America, LabCorp); PubMed 35446340 (cited by Women's Health and Genetics/Laboratory Corporation of America, LabCorp).

NM_001035.3(RYR2):c.13175A>G (p.Lys4392Arg)

Genes: RYR2 (ryanodine receptor 2; plus strand), LOC126806068 (BRD4-independent group 4 enhancer GRCh37_chr1:237947411-237948610; plus strand). Cytogenetic location: 1q43.
Variant type: single nucleotide variant.
Coding change: c.13175A>G on transcript NM_001035.3 (MANE Select); coding-DNA position 13175, A replaced by G.
Protein change: p.Lys4392Arg; replaces lysine 4392 with arginine.
Molecular consequence: missense variant.
Genome position (GRCh38, 1-based): chr1:237,784,887, A>G. VCF-style: chr1-237784887-A-G. GRCh37 (hg19) VCF-style: chr1-237948187-A-G.
Other names: c.13175A>G, p.Lys4392Arg (LRG_402t1); short protein forms K4392R.
Identifiers: ClinVar variation 575869 (VCV000575869.28), dbSNP rs753733164, ClinGen allele CA085303.